The following is an entry in ClinVar:

ClinVar aggregate classification (germline): Uncertain significance (1 of 4 stars; one submission).

Submission:

GeneDx
Classification: Uncertain significance. Last evaluated: 2025-03-05. Review status: criteria provided, single submitter. Criteria: GeneDx Variant Classification Process June 2021. Collection method: clinical testing. Allele origin: germline. Affected: yes.
Comment: Not observed at significant frequency in large population cohorts (gnomAD); Has not been previously published as pathogenic or benign to our knowledge; Frameshift variant predicted to result in protein truncation or nonsense mediated decay in a gene for which loss-of-function is not an established mechanism of disease

NM_002267.4(KPNA3):c.635_653del (p.Ile212fs)

Gene: KPNA3 (karyopherin subunit alpha 3; minus strand). Cytogenetic location: 13q14.2.
Variant type: Deletion.
Coding change: c.635_653del on transcript NM_002267.4 (MANE Select); coding-DNA positions 635 to 653, 19 bases deleted (TCCCCATCACCTTCCTTCG).
Protein change: p.Ile212fs; shifts the reading frame from isoleucine 212.
Molecular consequence: frameshift variant.
Genome position (GRCh38, 1-based): chr13:49,722,028-49,722,046, CGAAGGAAGGTGATGGGGA deleted on the plus strand (TCCCCATCACCTTCCTTCG on the coding strand, the reverse complement: KPNA3 is on the minus strand). VCF-style (leftmost placement, unchanged base first): chr13-49722027-CCGAAGGAAGGTGATGGGGA-C. GRCh37 (hg19) VCF-style: chr13-50296163-CCGAAGGAAGGTGATGGGGA-C.
Other names: short protein forms I212fs.
Identifiers: ClinVar variation 4082726 (VCV004082726.1).
Genomic context (GRCh38, chr13:49,722,027, plus strand): 5'-CTCCATAGGCGGCGGGGGATCCTTATTCCTGCAGAGATTGACAATGACCCATGTGACGTT[CCGAAGGAAGGTGATGGGGA>C]TGGAGGGACTGATGAAGGACAGAAGAGGTTTGACAACTCCCAGTGATATGACATAATCTC-3'